The following is an entry in ClinVar:

NM_001079802.2(FKTN):c.728C>T (p.Pro243Leu)

Gene: FKTN (fukutin; plus strand). Cytogenetic location: 9q31.2.
Variant type: single nucleotide variant.
Coding change: c.728C>T on transcript NM_001079802.2 (MANE Select); coding-DNA position 728, C replaced by T.
Protein change: p.Pro243Leu; replaces proline 243 with leucine.
Molecular consequence: missense variant. On other transcripts: non-coding transcript variant (2).
Genome position (GRCh38, 1-based): chr9:105,607,899, C>T. VCF-style: chr9-105607899-C-T. GRCh37 (hg19) VCF-style: chr9-108370180-C-T.
Other names: c.728C>T, p.Pro243Leu (NM_001198963.2, NM_001351496.2, NM_001351498.2 and 1 more transcripts); c.659C>T, p.Pro220Leu (NM_001351497.2); c.332C>T, p.Pro111Leu (NM_001351499.2, NM_001351500.2, NM_001351501.2 and 1 more transcripts); short protein forms P111L, P243L, P220L.
Identifiers: ClinVar variation 3278992 (VCV003278992.1).

ClinVar aggregate classification (germline): Uncertain significance (1 of 4 stars; one submission).

Conditions:
Cardiovascular phenotype. Identifiers: MedGen CN230736.

Submission:

Ambry Genetics
Classification: Uncertain significance for Cardiovascular phenotype. Last evaluated: 2024-03-30. Review status: criteria provided, single submitter. Criteria: Ambry Variant Classification Scheme 2023. Collection method: clinical testing. Allele origin: germline.
Comment: The p.P243L variant (also known as c.728C>T), located in coding exon 5 of the FKTN gene, results from a C to T substitution at nucleotide position 728. The proline at codon 243 is replaced by leucine, an amino acid with similar properties. This amino acid position is conserved. In addition, the in silico prediction for this alteration is inconclusive. Based on the available evidence, the clinical significance of this alteration remains unclear.